The following is an entry in ClinVar:

NM_000501.4(ELN):c.1028G>A (p.Gly343Asp)

Gene: ELN (elastin; plus strand). Cytogenetic location: 7q11.23.
Variant type: single nucleotide variant.
Coding change: c.1028G>A on transcript NM_000501.4 (MANE Select); coding-DNA position 1028, G replaced by A.
Protein change: p.Gly343Asp; replaces glycine 343 with aspartic acid.
Molecular consequence: missense variant.
Genome position (GRCh38, 1-based): chr7:74,053,241, G>A. VCF-style: chr7-74053241-G-A. GRCh37 (hg19) VCF-style: chr7-73467571-G-A.
Other names: c.998G>A, p.Gly333Asp (NM_001081752.3, NM_001278917.2); c.1043G>A, p.Gly348Asp (NM_001081753.3, NM_001081754.3); c.1028G>A, p.Gly343Asp (NM_001081755.3, NM_001278912.2, NM_001278915.2 and 1 more transcripts); c.920G>A, p.Gly307Asp (NM_001278913.2); c.1013G>A, p.Gly338Asp (NM_001278914.2); c.986G>A, p.Gly329Asp (NM_001278916.2); c.896G>A, p.Gly299Asp (NM_001278918.2); short protein forms G299D, G333D, G348D, G343D, G307D, G329D, G338D.
Identifiers: ClinVar variation 2891609 (VCV002891609.3), dbSNP rs181231316, ClinGen allele CA4292806.

ClinVar aggregate classification (germline): Uncertain significance (1 of 4 stars; one submission).

Conditions:
Supravalvar aortic stenosis (SVAS). Also called: Supravalvar aortic stenosis, Eisenberg type. Identifiers: Orphanet 3193, MedGen C0003499, MONDO:0008504, OMIM 185500, HP:0004381.

Allele frequency attached by ClinVar (database versions not stated): gnomAD 0.00001; gnomAD exomes 0.00001; ExAC 0.00002; 1000 Genomes Project 30x 0.00031; 1000 Genomes Project 0.00040.
gnomAD v4.1: 11 of 1,614,104 alleles (0.00068%); highest among the groups gnomAD compares: African/African-American, 0.0053%; no homozygotes.

Submission:

Labcorp Genetics (formerly Invitae), Labcorp
Classification: Uncertain significance for Supravalvar aortic stenosis. Last evaluated: 2023-07-12. Review status: criteria provided, single submitter. Criteria: Invitae Variant Classification Sherloc (09022015). Collection method: clinical testing. Allele origin: germline.
Comment: This variant has not been reported in the literature in individuals affected with ELN-related conditions. This variant is present in population databases (rs181231316, gnomAD 0.007%). This sequence change replaces glycine, which is neutral and non-polar, with aspartic acid, which is acidic and polar, at codon 343 of the ELN protein (p.Gly343Asp). In summary, the available evidence is currently insufficient to determine the role of this variant in disease. Therefore, it has been classified as a Variant of Uncertain Significance. Advanced modeling of protein sequence and biophysical properties (such as structural, functional, and spatial information, amino acid conservation, physicochemical variation, residue mobility, and thermodynamic stability) performed at Invitae indicates that this missense variant is not expected to disrupt ELN protein function.